The following is an entry in ClinVar:

NM_007055.4(POLR3A):c.91C>G (p.Gln31Glu)

Gene: POLR3A (RNA polymerase III subunit A; minus strand). Cytogenetic location: 10q22.3.
Variant type: single nucleotide variant.
Coding change: c.91C>G on transcript NM_007055.4 (MANE Select); coding-DNA position 91, C replaced by G.
Protein change: p.Gln31Glu; replaces glutamine 31 with glutamic acid.
Molecular consequence: missense variant.
Genome position (GRCh38, 1-based): chr10:78,026,183, G>C on the plus strand (C>G on the coding strand, the complement: POLR3A is on the minus strand). VCF-style: chr10-78026183-G-C. GRCh37 (hg19) VCF-style: chr10-79785941-G-C.
Other names: short protein forms Q31E.
Identifiers: ClinVar variation 1351361 (VCV001351361.8), dbSNP rs546487084, ClinGen allele CA5571798.

ClinVar aggregate classification (germline): Uncertain significance (1 of 4 stars; one submission).

gnomAD v4.1: 7 of 1,614,184 alleles (0.00043%); highest among the groups gnomAD compares: East Asian, 0.0045%; no homozygotes.

Submission:

Labcorp Genetics (formerly Invitae), Labcorp
Classification: Uncertain significance. Last evaluated: 2022-08-23. Review status: criteria provided, single submitter. Criteria: Invitae Variant Classification Sherloc (09022015). Collection method: clinical testing. Allele origin: germline.
Comment: Algorithms developed to predict the effect of missense changes on protein structure and function (SIFT, PolyPhen-2, Align-GVGD) all suggest that this variant is likely to be tolerated. This sequence change replaces glutamine, which is neutral and polar, with glutamic acid, which is acidic and polar, at codon 31 of the POLR3A protein (p.Gln31Glu). This variant is present in population databases (rs546487084, gnomAD 0.0009%). This variant has not been reported in the literature in individuals affected with POLR3A-related conditions. ClinVar contains an entry for this variant (Variation ID: 1351361). In summary, the available evidence is currently insufficient to determine the role of this variant in disease. Therefore, it has been classified as a Variant of Uncertain Significance.